The following is an entry in ClinVar:

ClinVar aggregate classification (germline): Uncertain significance (1 of 4 stars; one submission).

Submission:

Labcorp Genetics (formerly Invitae), Labcorp
Classification: Uncertain significance. Last evaluated: 2021-10-29. Review status: criteria provided, single submitter. Criteria: Invitae Variant Classification Sherloc (09022015). Collection method: clinical testing. Allele origin: germline.
Comment: In summary, the available evidence is currently insufficient to determine the role of this variant in disease. Therefore, it has been classified as a Variant of Uncertain Significance. Algorithms developed to predict the effect of missense changes on protein structure and function are either unavailable or do not agree on the potential impact of this missense change (SIFT: "Deleterious"; PolyPhen-2: "Benign"; Align-GVGD: "Class C0"). This sequence change replaces leucine, which is neutral and non-polar, with histidine, which is basic and polar, at codon 92 of the DGUOK protein (p.Leu92His). This variant is not present in population databases (gnomAD no frequency). This variant has not been reported in the literature in individuals affected with DGUOK-related conditions.

NM_080916.3(DGUOK):c.275T>A (p.Leu92His)

Gene: DGUOK (deoxyguanosine kinase; plus strand). Cytogenetic location: 2p13.1.
Variant type: single nucleotide variant.
Coding change: c.275T>A on transcript NM_080916.3 (MANE Select); coding-DNA position 275, T replaced by A.
Protein change: p.Leu92His; replaces leucine 92 with histidine.
Molecular consequence: missense variant. On other transcripts: 5 prime UTR variant (4), non-coding transcript variant (5).
Genome position (GRCh38, 1-based): chr2:73,946,738, T>A. VCF-style: chr2-73946738-T-A. GRCh37 (hg19) VCF-style: chr2-74173865-T-A.
Other names: c.275T>A, p.Leu92His (NM_001318859.2, NM_080918.3); c.-17T>A (NM_001318860.2, NM_001318861.2, NM_001318862.2 and 1 more transcripts); short protein forms L92H.
Identifiers: ClinVar variation 1485411 (VCV001485411.6), dbSNP rs982717858, ClinGen allele CA347298799.